The following is an entry in ClinVar:

ClinVar aggregate classification (germline): Conflicting classifications of pathogenicity. Review status: criteria provided, conflicting classifications (1 of 4 stars). 2 submissions from 2 submitters: Uncertain significance (1); Likely benign (1). Last evaluated 2024-07-11.

Conditions:
Hereditary cancer-predisposing syndrome. Also called: Hereditary Cancer Syndrome; Tumor predisposition; Neoplastic Syndromes, Hereditary; Hereditary neoplastic syndrome. Identifiers: Orphanet 140162, MedGen C0027672, MeSH D009386, MONDO:0015356.
Cardiovascular phenotype. Identifiers: MedGen CN230736.
Neurofibromatosis, type 1 (NF1). Also called: Neurofibromatosis, type I; NEUROFIBROMATOSIS, TYPE I, SOMATIC; Peripheral type neurofibromatosis; VON RECKLINGHAUSEN DISEASE. Identifiers: Orphanet 636, MedGen C0027831, MONDO:0018975, OMIM 162200. Disease mechanism: loss of function.

Allele frequency attached by ClinVar (database versions not stated): gnomAD exomes 0.00001.
gnomAD v4.1: 7 of 1,595,822 alleles (0.00044%); highest among the groups gnomAD compares: Non-Finnish European, 0.0006%; no homozygotes.

Submissions (2):

Ambry Genetics
Classification: Likely benign for Cardiovascular phenotype; Hereditary cancer-predisposing syndrome. Last evaluated: 2024-07-11. Review status: criteria provided, single submitter. Criteria: Ambry Variant Classification Scheme 2023. Collection method: clinical testing. Allele origin: germline.

Labcorp Genetics (formerly Invitae), Labcorp
Classification: Uncertain significance for Neurofibromatosis, type 1. Last evaluated: 2022-03-14. Review status: criteria provided, single submitter. Criteria: Invitae Variant Classification Sherloc (09022015). Collection method: clinical testing. Allele origin: germline.
Comment: In summary, the available evidence is currently insufficient to determine the role of this variant in disease. Therefore, it has been classified as a Variant of Uncertain Significance. Advanced modeling of protein sequence and biophysical properties (such as structural, functional, and spatial information, amino acid conservation, physicochemical variation, residue mobility, and thermodynamic stability) performed at Invitae indicates that this missense variant is not expected to disrupt NF1 protein function. This variant has not been reported in the literature in individuals affected with NF1-related conditions. This variant is not present in population databases (gnomAD no frequency). This sequence change replaces asparagine, which is neutral and polar, with isoleucine, which is neutral and non-polar, at codon 2285 of the NF1 protein (p.Asn2285Ile).

NM_001042492.3(NF1):c.6917A>T (p.Asn2306Ile)

Gene: NF1 (neurofibromin 1; plus strand). Cytogenetic location: 17q11.2.
Variant type: single nucleotide variant.
Coding change: c.6917A>T on transcript NM_001042492.3 (MANE Select); coding-DNA position 6917, A replaced by T.
Protein change: p.Asn2306Ile; replaces asparagine 2306 with isoleucine.
Molecular consequence: missense variant.
Genome position (GRCh38, 1-based): chr17:31,338,801, A>T. VCF-style: chr17-31338801-A-T. GRCh37 (hg19) VCF-style: chr17-29665819-A-T.
Other names: c.6854A>T, p.Asn2285Ile (NM_000267.4); short protein forms N2306I, N2285I.
Identifiers: ClinVar variation 2047256 (VCV002047256.5), dbSNP rs1597846107, ClinGen allele CA399014449.